The following is an entry in ClinVar:

NM_021224.6(ZNF462):c.5941C>T (p.Arg1981Ter)

Gene: ZNF462 (zinc finger protein 462; plus strand). Cytogenetic location: 9q31.2.
Variant type: single nucleotide variant.
Coding change: c.5941C>T on transcript NM_021224.6 (MANE Select); coding-DNA position 5941, C replaced by T.
Protein change: p.Arg1981Ter; replaces arginine 1981 with a stop codon.
Molecular consequence: nonsense.
Genome position (GRCh38, 1-based): chr9:106,930,618, C>T. VCF-style: chr9-106930618-C-T. GRCh37 (hg19) VCF-style: chr9-109692899-C-T.
Other names: c.3346C>T, p.Arg1116Ter (NM_001347997.2); short protein forms R1116*, R1981*.
Identifiers: ClinVar variation 1803088 (VCV001803088.2), dbSNP rs866842287, ClinGen allele CA197493193.

ClinVar aggregate classification (germline): Pathogenic. Review status: criteria provided, single submitter (1 of 4 stars). 2 submissions from 2 submitters: Pathogenic (1). 1 of the submissions does not count toward it. Last evaluated 2022-02-03.

Conditions:
ZNF462-related disorder. Also called: ZNF462-related condition; ZNF462 related disease.
Weiss-Kruszka syndrome. Also called: Metopic ridging-ptosis-facial dysmorphism syndrome. Identifiers: Orphanet 502430, MedGen C5568107, MONDO:0032836, OMIM 618619.

Allele frequency attached by ClinVar (database versions not stated): gnomAD exomes below 0.00001.
gnomAD v4.1: 1 of 1,614,112 alleles (0.000062%); highest among the groups gnomAD compares: Non-Finnish European, 0.000085%; no homozygotes.

Submissions (2):

Diagnostic Genetics, Severance Hospital, Yonsei University College of Medicine
Classification: Pathogenic for Weiss-Kruszka syndrome. Last evaluated: 2022-02-03. Review status: criteria provided, single submitter. Criteria: ACMG Guidelines, 2015. Collection method: clinical testing. Allele origin: de novo. Affected: yes.

PreventionGenetics, part of Exact Sciences
Classification: Likely pathogenic for ZNF462-related condition. Last evaluated: 2024-05-03. Review status: no assertion criteria provided. Collection method: clinical testing. Allele origin: germline. Not counted in ClinVar's aggregate classification.
Comment: The ZNF462 c.5941C>T variant is predicted to result in premature protein termination (p.Arg1981*). This variant was reported de novo in an individual with neurodevelopmental disorder (Kim et al. 2022. PubMed ID: 36619507). This variant has not been reported in a large population database, indicating this variant is rare. Nonsense variants in ZNF462 are expected to be pathogenic. This variant is interpreted as likely pathogenic.